The following is an entry in ClinVar:

NM_001271718.2(SPINK2):c.118A>G (p.Thr40Ala)

Genes: SPINK2 (serine peptidase inhibitor Kazal type 2; minus strand), LOC129992634 (ATAC-STARR-seq lymphoblastoid silent region 15455; plus strand). Cytogenetic location: 4q12.
Variant type: single nucleotide variant.
Coding change: c.118A>G on transcript NM_001271718.2 (MANE Select); coding-DNA position 118, A replaced by G.
Protein change: p.Thr40Ala; replaces threonine 40 with alanine.
Molecular consequence: missense variant. On other transcripts: non-coding transcript variant (2), intron variant (1).
Genome position (GRCh38, 1-based): chr4:56,821,545, T>C on the plus strand (A>G on the coding strand, the complement: SPINK2 is on the minus strand). VCF-style: chr4-56821545-T-C. GRCh37 (hg19) VCF-style: chr4-57687711-T-C.
Other names: c.118A>G, p.Thr40Ala (NM_001271719.2, NM_001271720.2, NM_001271721.2 and 1 more transcripts); c.55+63A>G (NM_021114.4); short protein forms T40A.
Identifiers: ClinVar variation 3058909 (VCV003058909.2), dbSNP rs781543, ClinGen allele CA2931989.

ClinVar aggregate classification (germline): Benign (0 of 4 stars; one submission).

Conditions:
SPINK2-related disorder. Also called: SPINK2-related condition.

Allele frequency attached by ClinVar (database versions not stated): gnomAD exomes 0.07364; ExAC 0.07717; gnomAD 0.19250; 1000 Genomes Project 0.22045; TOPMed 0.22269; 1000 Genomes Project 30x 0.23111.
gnomAD v4.1: 133,037 of 1,545,832 alleles (8.6%); highest among the groups gnomAD compares: African/African-American, 48%; 13,190 homozygotes.

Submission:

PreventionGenetics, part of Exact Sciences
Classification: Benign for SPINK2-related condition. Last evaluated: 2019-10-24. Review status: no assertion criteria provided. Collection method: clinical testing. Allele origin: germline.
Comment: This variant is classified as benign based on ACMG/AMP sequence variant interpretation guidelines (Richards et al. 2015 PMID: 25741868, with internal and published modifications).